The following is an entry in ClinVar:

ClinVar aggregate classification (germline): Uncertain significance. Review status: criteria provided, multiple submitters, no conflicts (2 of 4 stars). 2 submissions from 2 submitters: Uncertain significance (2). Last evaluated 2024-10-11.

Conditions:
Hereditary cancer-predisposing syndrome. Also called: Neoplastic Syndromes, Hereditary; Tumor predisposition; Hereditary neoplastic syndrome; Hereditary Cancer Syndrome. Identifiers: Orphanet 140162, MedGen C0027672, MeSH D009386, MONDO:0015356.
Cardiovascular phenotype. Identifiers: MedGen CN230736.

Submissions (2):

Ambry Genetics
Classification: Uncertain significance for Cardiovascular phenotype; Hereditary cancer-predisposing syndrome. Last evaluated: 2024-10-11. Review status: criteria provided, single submitter. Criteria: Ambry Variant Classification Scheme 2023. Collection method: clinical testing. Allele origin: germline.
Comment: The p.T213P variant (also known as c.637A>C), located in coding exon 7 of the LZTR1 gene, results from an A to C substitution at nucleotide position 637. The threonine at codon 213 is replaced by proline, an amino acid with highly similar properties. This amino acid position is conserved. In addition, the in silico prediction for this alteration is inconclusive. Based on the available evidence, the clinical significance of this variant remains unclear.

Labcorp Genetics (formerly Invitae), Labcorp
Classification: Uncertain significance. Last evaluated: 2023-02-22. Review status: criteria provided, single submitter. Criteria: Invitae Variant Classification Sherloc (09022015). Collection method: clinical testing. Allele origin: germline.
Comment: This sequence change replaces threonine, which is neutral and polar, with proline, which is neutral and non-polar, at codon 213 of the LZTR1 protein (p.Thr213Pro). This variant is not present in population databases (gnomAD no frequency). This variant has not been reported in the literature in individuals affected with LZTR1-related conditions. Advanced modeling of protein sequence and biophysical properties (such as structural, functional, and spatial information, amino acid conservation, physicochemical variation, residue mobility, and thermodynamic stability) performed at Invitae indicates that this missense variant is not expected to disrupt LZTR1 protein function. In summary, the available evidence is currently insufficient to determine the role of this variant in disease. Therefore, it has been classified as a Variant of Uncertain Significance.

NM_006767.4(LZTR1):c.637A>C (p.Thr213Pro)

Gene: LZTR1 (leucine zipper like post translational regulator 1; plus strand). Cytogenetic location: 22q11.21.
Variant type: single nucleotide variant.
Coding change: c.637A>C on transcript NM_006767.4 (MANE Select); coding-DNA position 637, A replaced by C.
Protein change: p.Thr213Pro; replaces threonine 213 with proline.
Molecular consequence: missense variant.
Genome position (GRCh38, 1-based): chr22:20,989,668, A>C. VCF-style: chr22-20989668-A-C. GRCh37 (hg19) VCF-style: chr22-21343957-A-C.
Other names: c.637A>C (NM_006767.3); short protein forms T213P.
Identifiers: ClinVar variation 2716692 (VCV002716692.4), dbSNP rs2518614942, ClinGen allele CA410780361.